The following is an entry in ClinVar:

NM_001879.6(MASP1):c.1703T>C (p.Val568Ala)

Gene: MASP1 (MBL associated serine protease 1; minus strand). Cytogenetic location: 3q27.3.
Variant type: single nucleotide variant.
Coding change: c.1703T>C on transcript NM_001879.6 (MANE Plus Clinical); coding-DNA position 1703, T replaced by C.
Protein change: p.Val568Ala; replaces valine 568 with alanine.
Molecular consequence: missense variant.
Genome position (GRCh38, 1-based): chr3:187,225,362, A>G on the plus strand (T>C on the coding strand, the complement: MASP1 is on the minus strand). VCF-style: chr3-187225362-A-G. GRCh37 (hg19) VCF-style: chr3-186943150-A-G.
Other names: short protein forms V568A.
Identifiers: ClinVar variation 1250766 (VCV001250766.11), dbSNP rs13322090, ClinGen allele CA2748827.

ClinVar aggregate classification (germline): Benign. Review status: criteria provided, multiple submitters, no conflicts (2 of 4 stars). 4 submissions from 4 submitters: Benign (3). 1 of the submissions does not count toward it. Last evaluated 2022-07-15.

Conditions:
MASP1-related disorder. Also called: MASP1-related condition.
3MC syndrome 1. Also called: CRANIOSYNOSTOSIS WITH LID ANOMALIES; OCULOPALATOSKELETAL SYNDROME; MICHELS SYNDROME. Identifiers: Orphanet 293843, MedGen C0796059, MONDO:0009770, OMIM 257920.

Allele frequency attached by ClinVar (database versions not stated): ExAC 0.00469; TOPMed 0.01610; gnomAD exomes 0.00367 and 0.00133; gnomAD 0.01418 and 0.01525; 1000 Genomes Project 0.01558; 1000 Genomes Project 30x 0.01749; ESP Exome Variant Server 0.01668.
gnomAD v4.1: 4,149 of 1,613,764 alleles (0.26%); highest among the groups gnomAD compares: African/African-American, 5%; 110 homozygotes.

Submissions (4):

ARUP Laboratories, Molecular Genetics and Genomics, ARUP Laboratories
Classification: Benign for 3MC syndrome 1. Last evaluated: 2022-07-15. Review status: criteria provided, single submitter. Criteria: ARUP Molecular Germline Variant Investigation Process 2021. Collection method: clinical testing. Allele origin: germline.

GeneDx
Classification: Benign. Last evaluated: 2018-12-12. Review status: criteria provided, single submitter. Criteria: GeneDx Variant Classification Process June 2021. Collection method: clinical testing. Allele origin: germline. Affected: yes.

Breakthrough Genomics
Classification: Benign. Review status: criteria provided, single submitter. Criteria: ACMG Guidelines, 2015. Collection method: not provided. Allele origin: germline. Inheritance: Autosomal recessive inheritance. Affected: yes.

PreventionGenetics, part of Exact Sciences
Classification: Benign for MASP1-related condition. Last evaluated: 2019-04-09. Review status: no assertion criteria provided. Collection method: clinical testing. Allele origin: germline. Not counted in ClinVar's aggregate classification.
Comment: This variant is classified as benign based on ACMG/AMP sequence variant interpretation guidelines (Richards et al. 2015 PMID: 25741868, with internal and published modifications).